The following is an entry in ClinVar:

ClinVar aggregate classification (germline): Likely pathogenic (1 of 4 stars; one submission).

Conditions:
Developmental and epileptic encephalopathy 94 (DEE94). Also called: Epileptic encephalopathy, childhood-onset; CHD2-Related Neurodevelopmental Disorders. Identifiers: Orphanet 1942, Orphanet 2382, MedGen C3809278, MONDO:0014150, OMIM 615369.

Submission:

Labcorp Genetics (formerly Invitae), Labcorp
Classification: Likely pathogenic for Developmental and epileptic encephalopathy 94. Last evaluated: 2019-02-22. Review status: criteria provided, single submitter. Criteria: Invitae Variant Classification Sherloc (09022015). Collection method: clinical testing. Allele origin: germline.
Comment: In summary, the currently available evidence indicates that the variant is pathogenic, but additional data are needed to prove that conclusively. Therefore, this variant has been classified as Likely Pathogenic. Algorithms developed to predict the effect of missense changes on protein structure and function (SIFT, PolyPhen-2, Align-GVGD) all suggest that this variant is likely to be disruptive, but these predictions have not been confirmed by published functional studies and their clinical significance is uncertain. This variant is not present in population databases (ExAC no frequency). This sequence change replaces leucine with proline at codon 811 of the CHD2 protein (p.Leu811Pro). The leucine residue is highly conserved and there is a moderate physicochemical difference between leucine and proline.

NM_001271.4(CHD2):c.2432T>C (p.Leu811Pro)

Gene: CHD2 (chromodomain helicase DNA binding protein 2; plus strand). Cytogenetic location: 15q26.1.
Variant type: single nucleotide variant.
Coding change: c.2432T>C on transcript NM_001271.4 (MANE Select); coding-DNA position 2432, T replaced by C.
Protein change: p.Leu811Pro; replaces leucine 811 with proline.
Molecular consequence: missense variant.
Genome position (GRCh38, 1-based): chr15:92,972,344, T>C. VCF-style: chr15-92972344-T-C. GRCh37 (hg19) VCF-style: chr15-93515574-T-C.
Other names: short protein forms L811P.
Identifiers: ClinVar variation 646181 (VCV000646181.11), dbSNP rs1596419511, ClinGen allele CA393893287.